The following is an entry in ClinVar:

NM_014370.4(SRPK3):c.211del (p.Ile71fs)

Gene: SRPK3 (SRSF protein kinase 3; plus strand). Cytogenetic location: Xq28.
Variant type: Deletion.
Coding change: c.211del on transcript NM_014370.4 (MANE Select); coding-DNA position 211, one base deleted (A; older notation c.211delA).
Protein change: p.Ile71fs; shifts the reading frame from isoleucine 71.
Molecular consequence: frameshift variant.
Genome position (GRCh38, 1-based): chrX:153,781,525, A deleted. VCF-style (leftmost placement, unchanged base first): chrX-153781524-GA-G. GRCh37 (hg19) VCF-style: chrX-153046979-GA-G.
Other names: c.211del, p.Ile71fs (NM_001170760.2, NM_001170761.2); c.211delA (NM_014370.4); short protein forms I71fs.
Identifiers: ClinVar variation 4849372 (VCV004849372.1).

ClinVar aggregate classification (germline): Likely pathogenic (1 of 4 stars; one submission).

Conditions:
Intellectual developmental disorder, X-linked 114. Identifiers: MedGen C5974891, MONDO:0975828, OMIM 301134.

Submission:

First Genomix Gene Laboratory, Genetic Diagnostics Department
Classification: Likely pathogenic for Intellectual developmental disorder, X-linked 114. Last evaluated: 2025-07-14. Review status: criteria provided, single submitter. Criteria: ACMG Guidelines, 2015. Collection method: clinical testing. Allele origin: germline. Inheritance: X-linked inheritance. Affected: no. Observed: 1 variant allele.